The following is an entry in ClinVar:

ClinVar aggregate classification (germline): Uncertain significance (1 of 4 stars; one submission).

Allele frequency attached by ClinVar (database versions not stated): ExAC 0.00002; gnomAD 0.00003; TOPMed 0.00003; gnomAD exomes 0.00004.
gnomAD v4.1: 61 of 1,613,920 alleles (0.0038%); highest among the groups gnomAD compares: Non-Finnish European, 0.0046%; no homozygotes.

Submission:

Labcorp Genetics (formerly Invitae), Labcorp
Classification: Uncertain significance. Last evaluated: 2022-03-12. Review status: criteria provided, single submitter. Criteria: Invitae Variant Classification Sherloc (09022015). Collection method: clinical testing. Allele origin: germline.
Comment: This sequence change affects codon 307 of the EIF2B2 mRNA. It is a 'silent' change, meaning that it does not change the encoded amino acid sequence of the EIF2B2 protein. This variant is present in population databases (rs768467979, gnomAD 0.006%). This variant has not been reported in the literature in individuals affected with EIF2B2-related conditions. Algorithms developed to predict the effect of sequence changes on RNA splicing suggest that this variant may disrupt the consensus splice site. In summary, the available evidence is currently insufficient to determine the role of this variant in disease. Therefore, it has been classified as a Variant of Uncertain Significance.

NM_014239.4(EIF2B2):c.921C>T (p.Ser307=)

Gene: EIF2B2 (eukaryotic translation initiation factor 2B subunit beta; plus strand). Cytogenetic location: 14q24.3.
Variant type: single nucleotide variant.
Coding change: c.921C>T on transcript NM_014239.4 (MANE Select); coding-DNA position 921, C replaced by T.
Protein change: p.Ser307=; no amino-acid change (serine 307 retained).
Molecular consequence: synonymous variant.
Genome position (GRCh38, 1-based): chr14:75,009,053, C>T. VCF-style: chr14-75009053-C-T. GRCh37 (hg19) VCF-style: chr14-75475756-C-T.
Identifiers: ClinVar variation 1913654 (VCV001913654.2), dbSNP rs768467979, ClinGen allele CA7275110.